The following is an entry in ClinVar:

ClinVar aggregate classification (germline): Conflicting classifications of pathogenicity. Review status: criteria provided, conflicting classifications (1 of 4 stars). 12 submissions from 12 submitters: Uncertain significance (1); Benign (7); Likely benign (1). 3 of the submissions do not count toward it. Last evaluated 2026-10-01.

Conditions:
Retinal dystrophy. Also called: Inherited retinal dystrophy. Identifiers: Orphanet 71862, MedGen C0854723, MeSH D058499, MONDO:0019118, HP:0000556.
Usher syndrome type 2A. Also called: RETINAL DISEASE IN USHER SYNDROME TYPE IIA, MODIFIER OF; USHER SYNDROME, TYPE IIA. Identifiers: Orphanet 231178, Orphanet 886, MedGen C1848634, MONDO:0010169, OMIM 276901.

Allele frequency attached by ClinVar (database versions not stated): 1000 Genomes Project 30x 0.00359; ExAC 0.00878; gnomAD 0.00950 and 0.01005; gnomAD exomes 0.00952 and 0.01094; TOPMed 0.00624; 1000 Genomes Project 0.00300; ESP Exome Variant Server 0.00738.
gnomAD v4.1: 17,352 of 1,614,106 alleles (1.1%); highest among the groups gnomAD compares: Non-Finnish European, 1.1%; 147 homozygotes.

Submissions (12):

CeGaT Center for Human Genetics Tuebingen
Classification: Benign. Last evaluated: 2026-10-01. Review status: criteria provided, single submitter. Criteria: CeGaT Center For Human Genetics Tuebingen Variant Classification Criteria Version 2. Collection method: clinical testing. Allele origin: germline. Affected: yes. Observed: 16 variant alleles.
Comment: USH2A: BP4, BP7, BS1, BS2

Labcorp Genetics (formerly Invitae), Labcorp
Classification: Benign. Last evaluated: 2026-02-04. Review status: criteria provided, single submitter. Criteria: Invitae Variant Classification Sherloc (09022015). Collection method: clinical testing. Allele origin: germline.

ARUP Laboratories, Molecular Genetics and Genomics, ARUP Laboratories
Classification: Benign. Last evaluated: 2023-10-02. Review status: criteria provided, single submitter. Criteria: ARUP Molecular Germline Variant Investigation Process 2024. Collection method: clinical testing. Allele origin: germline.

Dept Of Ophthalmology, Nagoya University
Classification: Likely benign for Retinal dystrophy. Last evaluated: 2023-10-01. Review status: criteria provided, single submitter. Criteria: Submitter's publication. Collection method: research. Allele origin: germline. Affected: yes.

Mayo Clinic Laboratories, Mayo Clinic
Classification: Benign. Last evaluated: 2021-07-02. Review status: criteria provided, single submitter. Criteria: ACMG Guidelines, 2015. Collection method: clinical testing. Allele origin: germline. Observed: 3 variant alleles.

GeneDx
Classification: Benign. Last evaluated: 2015-04-17. Review status: criteria provided, single submitter. Criteria: GeneDx Variant Classification (06012015). Collection method: clinical testing. Allele origin: germline. Affected: yes.
Comment: This variant is considered likely benign or benign based on one or more of the following criteria: it is a conservative change, it occurs at a poorly conserved position in the protein, it is predicted to be benign by multiple in silico algorithms, and/or has population frequency not consistent with disease.

Eurofins Ntd Llc (ga)
Classification: Benign. Last evaluated: 2014-11-04. Review status: criteria provided, single submitter. Criteria: EGL Classification Definitions 2015. Collection method: clinical testing. Allele origin: germline. Observed: 3 variant alleles, 3 heterozygotes.

Laboratory for Molecular Medicine, Mass General Brigham Personalized Medicine
Classification: Benign. Last evaluated: 2010-07-02. Review status: criteria provided, single submitter. Criteria: LMM Criteria. Collection method: clinical testing. Allele origin: germline. Observed: 25 variant alleles.

Molecular Genetics Laboratory; Baylor College of Medicine
Classification: Uncertain significance. Review status: criteria provided, single submitter. Criteria: Submitter's publication. Collection method: not provided. Allele origin: unknown.
ClinVar note: Converted during submission from unknown to Uncertain significance.

Natera, Inc.
Classification: Benign for Usher syndrome type 2A. Last evaluated: 2019-12-30. Review status: no assertion criteria provided. Collection method: clinical testing. Allele origin: germline. Not counted in ClinVar's aggregate classification.

Clinical Genetics DNA and cytogenetics Diagnostics Lab, Erasmus MC, Erasmus Medical Center
Classification: Likely benign. Review status: no assertion criteria provided. Collection method: clinical testing. Allele origin: germline. Affected: yes. Study: VKGL Data-share Consensus. Not counted in ClinVar's aggregate classification.

Joint Genome Diagnostic Labs from Nijmegen and Maastricht, Radboudumc and MUMC+
Classification: Benign. Review status: no assertion criteria provided. Collection method: clinical testing. Allele origin: germline. Affected: yes. Study: VKGL Data-share Consensus. Not counted in ClinVar's aggregate classification.

Literature cited by the submitters: PubMed 22135276 (cited by Eurofins Ntd Llc (ga)).

NM_206933.4(USH2A):c.11928G>A (p.Thr3976=)

Gene: USH2A (usherin; minus strand). Cytogenetic location: 1q41.
Variant type: single nucleotide variant.
Coding change: c.11928G>A on transcript NM_206933.4 (MANE Select); coding-DNA position 11928, G replaced by A.
Protein change: p.Thr3976=; no amino-acid change (threonine 3976 retained).
Molecular consequence: synonymous variant.
Genome position (GRCh38, 1-based): chr1:215,728,168, C>T on the plus strand (G>A on the coding strand, the complement: USH2A is on the minus strand). VCF-style: chr1-215728168-C-T. GRCh37 (hg19) VCF-style: chr1-215901510-C-T.
Other names: p.Thr3976=.
Identifiers: ClinVar variation 48386 (VCV000048386.56), dbSNP rs55961436, ClinGen allele CA143277.